The following is an entry in ClinVar:

NM_020166.5(MCCC1):c.263A>G (p.His88Arg)

Gene: MCCC1 (methylcrotonyl-CoA carboxylase subunit 1; minus strand). Cytogenetic location: 3q27.1.
Variant type: single nucleotide variant.
Coding change: c.263A>G on transcript NM_020166.5 (MANE Select); coding-DNA position 263, A replaced by G.
Protein change: p.His88Arg; replaces histidine 88 with arginine.
Molecular consequence: missense variant. On other transcripts: non-coding transcript variant (1), intron variant (2).
Genome position (GRCh38, 1-based): chr3:183,092,419, T>C on the plus strand (A>G on the coding strand, the complement: MCCC1 is on the minus strand). VCF-style: chr3-183092419-T-C. GRCh37 (hg19) VCF-style: chr3-182810207-T-C.
Other names: c.-55+2140A>G (NM_001363880.1); c.44+2140A>G (NM_001293273.2); short protein forms H88R.
Identifiers: ClinVar variation 1407459 (VCV001407459.6), dbSNP rs1352224093, ClinGen allele CA355321537.

ClinVar aggregate classification (germline): Uncertain significance (1 of 4 stars; one submission).

Conditions:
3-methylcrotonyl-CoA carboxylase 1 deficiency (MCC1D). Also called: MCC 1 deficiency; 3 Alpha methylcrotonylglycinuria 1; MCCD TYPE 1; METHYLCROTONYLGLYCINURIA TYPE I. Identifiers: Orphanet 6, MedGen CN028786, MONDO:0008861, OMIM 210200.

Allele frequency attached by ClinVar (database versions not stated): TOPMed below 0.00001; gnomAD 0.00001.

Submission:

Labcorp Genetics (formerly Invitae), Labcorp
Classification: Uncertain significance for 3-methylcrotonyl-CoA carboxylase 1 deficiency. Last evaluated: 2021-05-06. Review status: criteria provided, single submitter. Criteria: Invitae Variant Classification Sherloc (09022015). Collection method: clinical testing. Allele origin: germline.
Comment: Advanced modeling of protein sequence and biophysical properties (such as structural, functional, and spatial information, amino acid conservation, physicochemical variation, residue mobility, and thermodynamic stability) performed at Invitae indicates that this missense variant is expected to disrupt MCCC1 protein function. This variant has been observed in individual(s) with 3MCC deficiency (Invitae). This variant is not present in population databases (ExAC no frequency). This sequence change replaces histidine with arginine at codon 88 of the MCCC1 protein (p.His88Arg). The histidine residue is highly conserved and there is a small physicochemical difference between histidine and arginine. In summary, the available evidence is currently insufficient to determine the role of this variant in disease. Therefore, it has been classified as a Variant of Uncertain Significance.